The following is an entry in ClinVar:

ClinVar aggregate classification (germline): Pathogenic (1 of 4 stars; one submission).

Conditions:
Hereditary spastic paraplegia 4. Also called: Spastic paraplegia 4, autosomal dominant; Spastic Paraplegia 4; Familial spastic paraplegia autosomal dominant 2. Identifiers: Orphanet 100985, MedGen C1866855, MONDO:0008438, OMIM 182601.

Submission:

Labcorp Genetics (formerly Invitae), Labcorp
Classification: Pathogenic for Hereditary spastic paraplegia 4. Last evaluated: 2022-12-05. Review status: criteria provided, single submitter. Criteria: Invitae Variant Classification Sherloc (09022015). Collection method: clinical testing. Allele origin: germline.
Comment: For these reasons, this variant has been classified as Pathogenic. This variant has not been reported in the literature in individuals affected with SPAST-related conditions. This variant is not present in population databases (gnomAD no frequency). This sequence change creates a premature translational stop signal (p.Phe124Leufs*12) in the SPAST gene. It is expected to result in an absent or disrupted protein product. Loss-of-function variants in SPAST are known to be pathogenic (PMID: 20932283).

Literature cited by the submitters: PubMed 20932283.

NM_014946.4(SPAST):c.369dup (p.Phe124fs)

Gene: SPAST (spastin; plus strand). Cytogenetic location: 2p22.3.
Variant type: Duplication.
Coding change: c.369dup on transcript NM_014946.4 (MANE Select); coding-DNA position 369, one base duplicated (C; older notation c.369dupC).
Protein change: p.Phe124fs; shifts the reading frame from phenylalanine 124.
Molecular consequence: frameshift variant.
Genome position (GRCh38, 1-based): chr2:32,064,200, C duplicated; the last of 2 consecutive C bases (chr2:32,064,199-32,064,200); duplicating either gives the same sequence. VCF-style (leftmost placement, unchanged base first): chr2-32064198-G-GC. GRCh37 (hg19) VCF-style: chr2-32289267-G-GC.
Other names: c.369dup, p.Phe124fs (NM_001363823.2, NM_001363875.2, NM_001377959.1 and 1 more transcripts); short protein forms F124fs.
Identifiers: ClinVar variation 2818732 (VCV002818732.3), dbSNP rs2465682785, ClinGen allele CA2739274305.